The following is an entry in ClinVar:

ClinVar aggregate classification (germline): Benign (1 of 4 stars; one submission).

Conditions:
Erythrocytosis, familial, 3 (ECYT3). Identifiers: Orphanet 247511, MedGen C1853286, MONDO:0012353, OMIM 609820.

Allele frequency attached by ClinVar (database versions not stated): gnomAD 0.01276 and 0.01471; TOPMed 0.01561; 1000 Genomes Project 30x 0.02545; 1000 Genomes Project 0.02736.

Submission:

Illumina Laboratory Services, Illumina
Classification: Benign for Erythrocytosis, familial, 3. Last evaluated: 2018-01-13. Review status: criteria provided, single submitter. Criteria: ICSL Variant Classification Criteria 13 December 2019. Collection method: clinical testing. Allele origin: germline.
Comment: This variant was observed in the ICSL laboratory as part of a predisposition screen in an ostensibly healthy population. It had not been previously curated by ICSL or reported in the Human Gene Mutation Database (HGMD: prior to June 1st, 2018), and was therefore a candidate for classification through an automated scoring system. Utilizing variant allele frequency, disease prevalence and penetrance estimates, and inheritance mode, an automated score was calculated to assess if this variant is too frequent to cause the disease. Based on the score and internal cut-off values, a variant classified as benign is not then subjected to further curation. The score for this variant resulted in a classification of benign for this disease.

NM_022051.3(EGLN1):c.*1919T>C

Gene: EGLN1 (egl-9 family hypoxia inducible factor 1; minus strand). Cytogenetic location: 1q42.2.
Variant type: single nucleotide variant.
Coding change: c.*1919T>C on transcript NM_022051.3 (MANE Select); 1919 bases downstream of the stop codon, T replaced by C.
Molecular consequence: 3 prime UTR variant.
Genome position (GRCh38, 1-based): chr1:231,364,492, A>G on the plus strand (T>C on the coding strand, the complement: EGLN1 is on the minus strand). VCF-style: chr1-231364492-A-G. GRCh37 (hg19) VCF-style: chr1-231500238-A-G.
Other names: c.*1980T>C (NM_001377260.1); c.*2025T>C (NM_001377261.1).
Identifiers: ClinVar variation 296151 (VCV000296151.5), dbSNP rs41303095, ClinGen allele CA10610348.